The following is an entry in ClinVar:

NM_001372044.2(SHANK3):c.330C>T (p.Ala110=)

Gene: SHANK3 (SH3 and multiple ankyrin repeat domains 3; plus strand). Cytogenetic location: 22q13.33.
Variant type: single nucleotide variant.
Coding change: c.330C>T on transcript NM_001372044.2 (MANE Select); coding-DNA position 330, C replaced by T.
Protein change: p.Ala110=; no amino-acid change (alanine 110 retained).
Molecular consequence: synonymous variant.
Genome position (GRCh38, 1-based): chr22:50,675,089, C>T. VCF-style: chr22-50675089-C-T. GRCh37 (hg19) VCF-style: chr22-51113517-C-T.
Other names: c.105C>T, p.Ala35= (NM_033517.1).
Identifiers: ClinVar variation 1779852 (VCV001779852.3), dbSNP rs769450356, ClinGen allele CA10325142.
Genomic context (GRCh38, chr22:50,675,089, plus strand): 5'-CGAGCCCGCTCCGCTGCAGAAGTGCCTGCGCCTGGACCCGGCCGCGCCCGTGTGGGCCGC[C>T]AAGCAGCGCGTGCTCTGCGCCCTCAACCACAGCCTCCAGGACGCGCTCAACTATGGGCTT-3'
Protein context (NP_001358973.1, residues 100-120): RLDPAAPVWA[Ala110=]KQRVLCALNH

ClinVar aggregate classification (germline): Likely benign. Review status: criteria provided, multiple submitters, no conflicts (2 of 4 stars). 2 submissions from 2 submitters: Likely benign (2). Last evaluated 2024-11-27.

Conditions:
SHANK3-related disorder. Also called: SHANK3-related condition.
Inborn genetic diseases. Identifiers: MedGen C0950123, MeSH D030342.

Allele frequency attached by ClinVar (database versions not stated): gnomAD 0.00001; gnomAD exomes 0.00001; TOPMed 0.00002; ExAC 0.00008.

Submissions (2):

PreventionGenetics, part of Exact Sciences
Classification: Likely benign for SHANK3-related condition. Last evaluated: 2024-11-27. Review status: criteria provided, single submitter. Criteria: ACMG Guidelines, 2015. Collection method: clinical testing. Allele origin: germline.
Comment: This variant is classified as likely benign based on ACMG/AMP sequence variant interpretation guidelines (Richards et al. 2015 PMID: 25741868, with internal and published modifications).

Ambry Genetics
Classification: Likely benign for Inborn genetic diseases. Last evaluated: 2019-10-23. Review status: criteria provided, single submitter. Criteria: Ambry Variant Classification Scheme 2023. Collection method: clinical testing. Allele origin: germline.